The following is an entry in ClinVar:

NM_003190.5(TAPBP):c.706G>T (p.Val236Leu)

Gene: TAPBP (TAP binding protein; minus strand). Cytogenetic location: 6p21.32.
Variant type: single nucleotide variant.
Coding change: c.706G>T on transcript NM_003190.5 (MANE Select); coding-DNA position 706, G replaced by T.
Protein change: p.Val236Leu; replaces valine 236 with leucine.
Molecular consequence: missense variant.
Genome position (GRCh38, 1-based): chr6:33,305,151, C>A on the plus strand (G>T on the coding strand, the complement: TAPBP is on the minus strand). VCF-style: chr6-33305151-C-A. GRCh37 (hg19) VCF-style: chr6-33272928-C-A.
Other names: c.706G>T, p.Val236Leu (NM_172208.3, NM_001410875.1); c.445G>T, p.Val149Leu (NM_172209.3); short protein forms V236L, V149L.
Identifiers: ClinVar variation 4694054 (VCV004694054.1).

ClinVar aggregate classification (germline): Uncertain significance (1 of 4 stars; one submission).

Conditions:
MHC class I deficiency. Identifiers: Orphanet 34592, MedGen C6024714, MONDO:0011476.

Submission:

Labcorp Genetics (formerly Invitae), Labcorp
Classification: Uncertain significance for MHC class I deficiency 1. Last evaluated: 2025-04-17. Review status: criteria provided, single submitter. Criteria: Invitae Variant Classification Sherloc (09022015). Collection method: clinical testing. Allele origin: germline.
Comment: This sequence change replaces valine, which is neutral and non-polar, with leucine, which is neutral and non-polar, at codon 236 of the TAPBP protein (p.Val236Leu). This variant is present in population databases (rs765208804, gnomAD 0.007%). This variant has not been reported in the literature in individuals affected with TAPBP-related conditions. An algorithm developed to predict the effect of missense changes on protein structure and function (PolyPhen-2) suggests that this variant is likely to be disruptive. In summary, the available evidence is currently insufficient to determine the role of this variant in disease. Therefore, it has been classified as a Variant of Uncertain Significance.